The following is an entry in ClinVar:

NM_000090.4(COL3A1):c.4080C>G (p.Leu1360=)

Gene: COL3A1 (collagen type III alpha 1 chain; plus strand). Cytogenetic location: 2q32.2.
Variant type: single nucleotide variant.
Coding change: c.4080C>G on transcript NM_000090.4 (MANE Select); coding-DNA position 4080, C replaced by G.
Protein change: p.Leu1360=; no amino-acid change (leucine 1360 retained).
Molecular consequence: synonymous variant.
Genome position (GRCh38, 1-based): chr2:189,010,716, C>G. VCF-style: chr2-189010716-C-G. GRCh37 (hg19) VCF-style: chr2-189875442-C-G.
Identifiers: ClinVar variation 263925 (VCV000263925.18), dbSNP rs771682647, ClinGen allele CA076444.
Genomic context (GRCh38, chr2:189,010,716, plus strand): 5'-CGGCAATCCTGAACTTCCTGAAGATGTCCTTGATGTGCATCTGGCATTCCTTCGACTTCT[C>G]TCCAGCCGAGCTTCCCAGAACATCACATATCACTGCAAAAATAGCATTGCATACATGGAT-3'
Protein context (NP_000081.2, residues 1350-1370): LDVHLAFLRL[Leu1360=]SSRASQNITY

ClinVar aggregate classification (germline): Likely benign. Review status: criteria provided, multiple submitters, no conflicts (2 of 4 stars). 5 submissions from 5 submitters: Likely benign (5). Last evaluated 2025-10-21.

Conditions:
Familial thoracic aortic aneurysm and aortic dissection (TAAD). Also called: Thoracic aortic aneurysms and dissections. Identifiers: Orphanet 91387, MedGen C4707243, MONDO:0019625.
Ehlers-Danlos syndrome, type 4 (EDSVASC). Also called: Ehlers-Danlos syndrome vascular type; Ehlers Danlos syndrome, ecchymotic type; Ehlers Danlos syndrome, arterial type; Ehlers Danlos syndrome, Sack-Barabas type; Ehlers-Danlos Syndrome Type IV. Identifiers: Orphanet 286, MedGen C0268338, MONDO:0017314, OMIM 130050.

Allele frequency attached by ClinVar (database versions not stated): gnomAD exomes below 0.00001; gnomAD 0.00001; TOPMed 0.00001; ExAC 0.00002.
gnomAD v4.1: 127 of 1,614,026 alleles (0.0079%); highest among the groups gnomAD compares: Non-Finnish European, 0.011%; no homozygotes.

Submissions (5):

Labcorp Genetics (formerly Invitae), Labcorp
Classification: Likely benign for Ehlers-Danlos syndrome, type 4. Last evaluated: 2025-10-21. Review status: criteria provided, single submitter. Criteria: Invitae Variant Classification Sherloc (09022015). Collection method: clinical testing. Allele origin: germline.

All of Us Research Program, National Institutes of Health
Classification: Likely benign for Ehlers-Danlos syndrome, type 4. Last evaluated: 2023-11-30. Review status: criteria provided, single submitter. Criteria: ACMG Guidelines, 2015. Collection method: clinical testing. Allele origin: germline. Inheritance: Autosomal dominant inheritance. Observed: 6 variant alleles, 6 heterozygotes.
Comment: This study involves interpretation of variants in research participants for the purpose of population health screening. Participant phenotype was not available at the time of variant classification. Additional details can be found in publication PMID: 35346344, PMCID: PMC8962531

Blueprint Genetics
Classification: Likely benign. Last evaluated: 2023-11-17. Review status: criteria provided, single submitter. Criteria: ACMG Guidelines, 2015. Collection method: clinical testing. Allele origin: germline.

Color Diagnostics, LLC DBA Color Health
Classification: Likely benign for Familial thoracic aortic aneurysm and aortic dissection. Last evaluated: 2019-01-27. Review status: criteria provided, single submitter. Criteria: ACMG Guidelines, 2015. Collection method: clinical testing. Allele origin: germline.

Ambry Genetics
Classification: Likely benign for Familial thoracic aortic aneurysm and aortic dissection. Last evaluated: 2015-03-03. Review status: criteria provided, single submitter. Criteria: Ambry Variant Classification Scheme 2023. Collection method: clinical testing. Allele origin: germline.